The following is an entry in ClinVar:

ClinVar aggregate classification (germline): Uncertain significance. Review status: criteria provided, multiple submitters, no conflicts (2 of 4 stars). 2 submissions from 2 submitters: Uncertain significance (2). Last evaluated 2025-02-12.

Conditions:
HADH-related disorder. Also called: HADH-related condition.

gnomAD v4.1: 392 of 1,601,118 alleles (0.024%); highest among the groups gnomAD compares: Non-Finnish European, 0.033%; no homozygotes.

Submissions (2):

PreventionGenetics, part of Exact Sciences
Classification: Uncertain significance for HADH-related condition. Last evaluated: 2025-02-12. Review status: criteria provided, single submitter. Criteria: ACMG Guidelines, 2015. Collection method: clinical testing. Allele origin: germline.
Comment: The HADH c.740G>A variant is predicted to result in the amino acid substitution p.Gly247Asp. To our knowledge, this variant has not been reported in the literature. This variant is reported in 0.013% of alleles in individuals of European (Non-Finnish) descent in gnomAD. At this time, the clinical significance of this variant is uncertain due to the absence of conclusive functional and genetic evidence.

Blueprint Genetics
Classification: Uncertain significance. Last evaluated: 2023-12-28. Review status: criteria provided, single submitter. Criteria: ACMG Guidelines, 2015. Collection method: clinical testing. Allele origin: germline.

NM_005327.7(HADH):c.710-819G>A

Gene: HADH (hydroxyacyl-CoA dehydrogenase; plus strand). Cytogenetic location: 4q25.
Variant type: single nucleotide variant.
Coding change: c.710-819G>A on transcript NM_005327.7 (MANE Select); 819 bases into the intron before coding-DNA position 710, G replaced by A.
Molecular consequence: intron variant. On other transcripts: missense variant (1).
Genome position (GRCh38, 1-based): chr4:108,032,357, G>A. VCF-style: chr4-108032357-G-A. GRCh37 (hg19) VCF-style: chr4-108953513-G-A.
Other names: c.740G>A, p.Gly247Asp (NM_001184705.4); c.722-819G>A (NM_001331027.2); c.740G>A (NM_001184705.2); short protein forms G247D.
Identifiers: ClinVar variation 4968122 (VCV004968122.2).
Genomic context (GRCh38, chr4:108,032,357, plus strand): 5'-CATTGATCCTTGTCGTAGTCTACTCAACAGACTTCCAAACGTGTGGTGATTCTAACTCGG[G>A]TTTGGGCTTTTCTTTAAAAGGTATCTTGACTAAAAGGTTTGTGTGAAATGTGATGCCAGG-3'